The following is an entry in ClinVar:

NM_003597.5(KLF11):c.*194G>A

Gene: KLF11 (KLF transcription factor 11; plus strand). Cytogenetic location: 2p25.1.
Variant type: single nucleotide variant.
Coding change: c.*194G>A on transcript NM_003597.5 (MANE Select); 194 bases downstream of the stop codon, G replaced by A.
Molecular consequence: 3 prime UTR variant.
Genome position (GRCh38, 1-based): chr2:10,052,701, G>A. VCF-style: chr2-10052701-G-A. GRCh37 (hg19) VCF-style: chr2-10192828-G-A.
Other names: c.*194G>A (NM_001177718.2, NM_001177716.2).
Identifiers: ClinVar variation 330646 (VCV000330646.6), dbSNP rs76220150, ClinGen allele CA10611743.

ClinVar aggregate classification (germline): Benign/Likely benign. Review status: criteria provided, multiple submitters, no conflicts (2 of 4 stars). 2 submissions from 2 submitters: Benign (1); Likely benign (1). Last evaluated 2018-10-21.

Conditions:
Maturity-onset diabetes of the young type 7 (MODY7). Identifiers: Orphanet 552, MedGen C1864839, MONDO:0012513, OMIM 610508.

Allele frequency attached by ClinVar (database versions not stated): 1000 Genomes Project 0.00280; 1000 Genomes Project 30x 0.00297; TOPMed 0.00616; gnomAD 0.00766 and 0.00789.
gnomAD v4.1: 4,266 of 487,234 alleles (0.88%); highest among the groups gnomAD compares: Non-Finnish European, 0.98%; 34 homozygotes.

Submissions (2):

GeneDx
Classification: Likely benign. Last evaluated: 2018-10-21. Review status: criteria provided, single submitter. Criteria: GeneDx Variant Classification Process June 2021. Collection method: clinical testing. Allele origin: germline. Affected: yes.

Illumina Laboratory Services, Illumina
Classification: Benign for Maturity-onset diabetes of the young type 7. Last evaluated: 2018-01-13. Review status: criteria provided, single submitter. Criteria: ICSL Variant Classification Criteria 13 December 2019. Collection method: clinical testing. Allele origin: germline.
Comment: This variant was observed in the ICSL laboratory as part of a predisposition screen in an ostensibly healthy population. It had not been previously curated by ICSL or reported in the Human Gene Mutation Database (HGMD: prior to June 1st, 2018), and was therefore a candidate for classification through an automated scoring system. Utilizing variant allele frequency, disease prevalence and penetrance estimates, and inheritance mode, an automated score was calculated to assess if this variant is too frequent to cause the disease. Based on the score and internal cut-off values, a variant classified as benign is not then subjected to further curation. The score for this variant resulted in a classification of benign for this disease.